The following is an entry in ClinVar:

NM_004453.4(ETFDH):c.176-237A>G

Gene: ETFDH (electron transfer flavoprotein dehydrogenase; plus strand). Cytogenetic location: 4q32.1.
Variant type: single nucleotide variant.
Coding change: c.176-237A>G on transcript NM_004453.4 (MANE Select); 237 bases into the intron before coding-DNA position 176, A replaced by G.
Molecular consequence: intron variant.
Genome position (GRCh38, 1-based): chr4:158,681,958, A>G. VCF-style: chr4-158681958-A-G. GRCh37 (hg19) VCF-style: chr4-159603110-A-G.
Other names: c.35-237A>G (NM_001281737.2).
Identifiers: ClinVar variation 676122 (VCV000676122.2), dbSNP rs62351198, ClinGen allele CA108848569.
Genomic context (GRCh38, chr4:158,681,958, plus strand): 5'-CTGTCATTAAGTGACTTGTGACTGTATTTTACACAAGTAAATATTTGCTAAATGTATAAT[A>G]ATAAATCTCAAAGCCAAGAATTAGTTTATGGAAACTGAAATAAAGTATGTACTGGAACAG-3'

ClinVar aggregate classification (germline): Likely benign. Review status: criteria provided, multiple submitters, no conflicts (2 of 4 stars). 2 submissions from 2 submitters: Likely benign (2). Last evaluated 2018-06-14.

Allele frequency attached by ClinVar (database versions not stated): 1000 Genomes Project 30x 0.00999; 1000 Genomes Project 0.01058; TOPMed 0.01829; gnomAD 0.01918 and 0.01967; gnomAD exomes 0.02314.
gnomAD v4.1: 11,866 of 538,576 alleles (2.2%); highest among the groups gnomAD compares: Non-Finnish European, 2.8%; 181 homozygotes.

Submissions (2):

GeneDx
Classification: Likely benign. Last evaluated: 2018-06-14. Review status: criteria provided, single submitter. Criteria: GeneDx Variant Classification (06012015). Collection method: clinical testing. Allele origin: germline. Affected: yes.
Comment: This variant is considered likely benign or benign based on one or more of the following criteria: it is a conservative change, it occurs at a poorly conserved position in the protein, it is predicted to be benign by multiple in silico algorithms, and/or has population frequency not consistent with disease.

Breakthrough Genomics
Classification: Likely benign. Review status: criteria provided, single submitter. Criteria: ACMG Guidelines, 2015. Collection method: not provided. Allele origin: germline. Inheritance: Autosomal recessive inheritance. Affected: yes.